The following is an entry in ClinVar:

NM_001079866.2(BCS1L):c.810G>A (p.Leu270=)

Gene: BCS1L (BCS1 ubiquinol-cytochrome c reductase complex chaperone; plus strand). Cytogenetic location: 2q35.
Variant type: single nucleotide variant.
Coding change: c.810G>A on transcript NM_001079866.2 (MANE Select); coding-DNA position 810, G replaced by A.
Protein change: p.Leu270=; no amino-acid change (leucine 270 retained).
Molecular consequence: synonymous variant. On other transcripts: non-coding transcript variant (1).
Genome position (GRCh38, 1-based): chr2:218,662,600, G>A. VCF-style: chr2-218662600-G-A. GRCh37 (hg19) VCF-style: chr2-219527323-G-A.
Other names: c.810G>A, p.Leu270= (NM_001257342.2, NM_001257343.2, NM_001257344.2 and 10 more transcripts); c.450G>A, p.Leu150= (NM_001318836.2, NM_001371451.1); c.309G>A, p.Leu103= (NM_001371452.1, NM_001371453.1, NM_001371454.1 and 3 more transcripts).
Identifiers: ClinVar variation 666657 (VCV000666657.13), dbSNP rs371242452, ClinGen allele CA2109765.
Genomic context (GRCh38, chr2:218,662,600, plus strand): 5'-CATCTGCCTGCTGAGCCTCACGGACTCCAGCCTCTCTGATGACCGACTCAACCACCTGCT[G>A]AGCGTGGCCCCGCAGCAGAGCCTGGTACTCCTGGAGGATGTGGATGCTGCTTTTCTCAGT-3'
Protein context (NP_001073335.1, residues 260-280): SLSDDRLNHL[Leu270=]SVAPQQSLVL

ClinVar aggregate classification (germline): Likely benign. Review status: criteria provided, multiple submitters, no conflicts (2 of 4 stars). 3 submissions from 3 submitters: Likely benign (3). Last evaluated 2024-11-30.

Allele frequency attached by ClinVar (database versions not stated): gnomAD 0.00001; gnomAD exomes 0.00001 and 0.00004; ExAC 0.00002; TOPMed 0.00002; ESP Exome Variant Server 0.00008.
gnomAD v4.1: 22 of 1,614,084 alleles (0.0014%); highest among the groups gnomAD compares: Admixed American, 0.005%; no homozygotes.

Submissions (3):

Labcorp Genetics (formerly Invitae), Labcorp
Classification: Likely benign. Last evaluated: 2024-11-30. Review status: criteria provided, single submitter. Criteria: Invitae Variant Classification Sherloc (09022015). Collection method: clinical testing. Allele origin: germline.

Blueprint Genetics
Classification: Likely benign. Last evaluated: 2020-11-05. Review status: criteria provided, single submitter. Criteria: ACMG Guidelines, 2015. Collection method: clinical testing. Allele origin: germline.

Laboratory for Molecular Medicine, Mass General Brigham Personalized Medicine
Classification: Likely benign. Last evaluated: 2018-11-28. Review status: criteria provided, single submitter. Criteria: LMM Criteria. Collection method: clinical testing. Allele origin: germline. Observed: 1 variant allele.
Comment: The p.Leu270Leu variant in BCS1L is classified as likely benign because it does not alter an amino acid residue, it is not located within the splice consensus s equence, and splice prediction algorithms do not predict a newly created splice site. ACMG/AMP Criteria applied: BP4, BP7.